The following is an entry in ClinVar:

ClinVar aggregate classification (germline): Uncertain significance (1 of 4 stars; one submission).

Conditions:
ALG9 congenital disorder of glycosylation (CDG1L). Also called: CDG Il; ALG9-CDG; CONGENITAL DISORDER OF GLYCOSYLATION, TYPE Il. Identifiers: Orphanet 79328, MedGen C2931006, MONDO:0012117, OMIM 608776.

Allele frequency attached by ClinVar (database versions not stated): gnomAD exomes below 0.00001; ExAC 0.00002; gnomAD 0.00003; ESP Exome Variant Server 0.00008.
gnomAD v4.1: 11 of 1,611,946 alleles (0.00068%); highest among the groups gnomAD compares: African/African-American, 0.013%; no homozygotes.

Submission:

Labcorp Genetics (formerly Invitae), Labcorp
Classification: Uncertain significance for ALG9 congenital disorder of glycosylation. Last evaluated: 2022-02-21. Review status: criteria provided, single submitter. Criteria: Invitae Variant Classification Sherloc (09022015). Collection method: clinical testing. Allele origin: germline.
Comment: The frequency data for this variant in the population databases is considered unreliable, as metrics indicate poor data quality at this position in the gnomAD database. In summary, the available evidence is currently insufficient to determine the role of this variant in disease. Therefore, it has been classified as a Variant of Uncertain Significance. Algorithms developed to predict the effect of missense changes on protein structure and function are either unavailable or do not agree on the potential impact of this missense change (SIFT: "Deleterious"; PolyPhen-2: "Probably Damaging"; Align-GVGD: "Class C0"). This variant has not been reported in the literature in individuals affected with ATP6V0A2-related conditions. This sequence change replaces isoleucine, which is neutral and non-polar, with leucine, which is neutral and non-polar, at codon 241 of the ATP6V0A2 protein (p.Ile241Leu).

NM_012463.4(ATP6V0A2):c.721A>C (p.Ile241Leu)

Gene: ATP6V0A2 (ATPase H+ transporting V0 subunit a2; plus strand). Cytogenetic location: 12q24.31.
Variant type: single nucleotide variant.
Coding change: c.721A>C on transcript NM_012463.4 (MANE Select); coding-DNA position 721, A replaced by C.
Protein change: p.Ile241Leu; replaces isoleucine 241 with leucine.
Molecular consequence: missense variant.
Genome position (GRCh38, 1-based): chr12:123,733,998, A>C. VCF-style: chr12-123733998-A-C. GRCh37 (hg19) VCF-style: chr12-124218545-A-C.
Other names: short protein forms I241L.
Identifiers: ClinVar variation 2193997 (VCV002193997.4), dbSNP rs371794684, ClinGen allele CA6861704.
Genomic context (GRCh38, chr12:123,733,998, plus strand): 5'-AAATGGTATGTCTTTTTAATATCCTTTTGGGGAGAGCAGATTGGCCACAAGGTTAAGAAG[A>C]TATGTGATTGGTAAGAAAAAGAAACATTTCATTTCATTTATGTCTTTATATTCAGTCACC-3'
Protein context (NP_036595.2, residues 231-251): GEQIGHKVKK[Ile241Leu]CDCYHCHVYP